The following is an entry in ClinVar:

ClinVar aggregate classification (germline): Benign. Review status: criteria provided, multiple submitters, no conflicts (2 of 4 stars). 2 submissions from 2 submitters: Benign (2). Last evaluated 2018-06-14.

Allele frequency attached by ClinVar (database versions not stated): 1000 Genomes Project 0.04453; gnomAD 0.04655 and 0.04882; 1000 Genomes Project 30x 0.04716; TOPMed 0.04771.
gnomAD v4.1: 7,032 of 152,230 alleles (4.6%); highest among the groups gnomAD compares: African/African-American, 10%; 277 homozygotes.

Submissions (2):

GeneDx
Classification: Benign. Last evaluated: 2018-06-14. Review status: criteria provided, single submitter. Criteria: GeneDx Variant Classification (06012015). Collection method: clinical testing. Allele origin: germline. Affected: yes.
Comment: This variant is considered likely benign or benign based on one or more of the following criteria: it is a conservative change, it occurs at a poorly conserved position in the protein, it is predicted to be benign by multiple in silico algorithms, and/or has population frequency not consistent with disease.

Breakthrough Genomics
Classification: Benign. Review status: criteria provided, single submitter. Criteria: ACMG Guidelines, 2015. Collection method: not provided. Allele origin: germline. Inheritance: Autosomal dominant inheritance. Affected: yes.

NM_000093.5(COL5A1):c.4231-183G>A

Gene: COL5A1 (collagen type V alpha 1 chain; plus strand). Cytogenetic location: 9q34.3.
Variant type: single nucleotide variant.
Coding change: c.4231-183G>A on transcript NM_000093.5 (MANE Select); 183 bases into the intron before coding-DNA position 4231, G replaced by A.
Molecular consequence: intron variant.
Genome position (GRCh38, 1-based): chr9:134,818,473, G>A. VCF-style: chr9-134818473-G-A. GRCh37 (hg19) VCF-style: chr9-137710319-G-A.
Other names: c.4231-183G>A (NM_001278074.1).
Identifiers: ClinVar variation 675397 (VCV000675397.2), dbSNP rs73664150, ClinGen allele CA13040926.